The following is an entry in ClinVar:

ClinVar aggregate classification (germline): Uncertain significance. Review status: criteria provided, multiple submitters, no conflicts (2 of 4 stars). 2 submissions from 2 submitters: Uncertain significance (2). Last evaluated 2025-10-03.

Conditions:
TOP3A-related disorder. Also called: TOP3A-related condition; TOP3A-related disorders.
Microcephaly, growth restriction, and increased sister chromatid exchange 2. Identifiers: MedGen C4748176, MONDO:0020628, OMIM 618097.

Submissions (2):

PreventionGenetics, part of Exact Sciences
Classification: Uncertain significance for TOP3A-related condition. Last evaluated: 2025-10-03. Review status: criteria provided, single submitter. Criteria: ACMG Guidelines, 2015. Collection method: clinical testing. Allele origin: germline.
Comment: The TOP3A c.240G>C variant is predicted to result in the amino acid substitution p.Gln80His. To our knowledge, this variant has not been reported in the literature or in a large population database (gnomAD), indicating this variant is rare. At this time, the clinical significance of this variant is uncertain due to the absence of conclusive functional and genetic evidence.

Genomic Medicine Center of Excellence, King Faisal Specialist Hospital and Research Centre
Classification: Uncertain significance for Microcephaly, growth restriction, and increased sister chromatid exchange 2. Last evaluated: 2024-03-26. Review status: criteria provided, single submitter. Criteria: ACMG Guidelines, 2015. Collection method: clinical testing. Allele origin: germline.

NM_004618.5(TOP3A):c.240G>C (p.Gln80His)

Gene: TOP3A (DNA topoisomerase III alpha; minus strand). Cytogenetic location: 17p11.2.
Variant type: single nucleotide variant.
Coding change: c.240G>C on transcript NM_004618.5 (MANE Select); coding-DNA position 240, G replaced by C.
Protein change: p.Gln80His; replaces glutamine 80 with histidine.
Molecular consequence: missense variant.
Genome position (GRCh38, 1-based): chr17:18,308,882, C>G on the plus strand (G>C on the coding strand, the complement: TOP3A is on the minus strand). VCF-style: chr17-18308882-C-G. GRCh37 (hg19) VCF-style: chr17-18212196-C-G.
Other names: c.29G>C, p.Arg10Thr (NM_001320759.2); c.240G>C (NM_004618.4); short protein forms Q80H, R10T.
Identifiers: ClinVar variation 3065210 (VCV003065210.2), dbSNP rs1359177130, ClinGen allele CA398642239.
Genomic context (GRCh38, chr17:18,308,882, plus strand): 5'-GAGGCTGACTACTTTCTCTTGCTTATGATTGAAATATTTTAGAAATATTTTAGCACCTAC[C>G]TGGCCATACAGATGATAATCAAATTCATAGATCTTGTTGAATTTTGAAAGTCCTTCTCTC-3'
Protein context (NP_004609.1, residues 70-90): IYEFDYHLYG[Gln80His]NVTMVMTSVS